The following is an entry in ClinVar:

ClinVar aggregate classification (germline): Uncertain significance (0 of 4 stars; one submission).

Conditions:
PLXNA1-related disorder. Also called: PLXNA1-related condition.

gnomAD v4.1: 25 of 1,605,268 alleles (0.0016%); highest among the groups gnomAD compares: Middle Eastern, 0.034%; no homozygotes.

Submission:

PreventionGenetics, part of Exact Sciences
Classification: Uncertain significance for PLXNA1-related condition. Last evaluated: 2024-08-04. Review status: no assertion criteria provided. Collection method: clinical testing. Allele origin: germline.
Comment: The PLXNA1 c.5645G>A variant is predicted to result in the amino acid substitution p.Arg1882Gln. To our knowledge, this variant has not been reported in the literature. This variant is reported in 0.0030% of alleles in individuals of Latino descent in gnomAD. At this time, the clinical significance of this variant is uncertain due to the absence of conclusive functional and genetic evidence.

NM_032242.4(PLXNA1):c.5645G>A (p.Arg1882Gln)

Gene: PLXNA1 (plexin A1; plus strand). Cytogenetic location: 3q21.3.
Variant type: single nucleotide variant.
Coding change: c.5645G>A on transcript NM_032242.4 (MANE Select); coding-DNA position 5645, G replaced by A.
Protein change: p.Arg1882Gln; replaces arginine 1882 with glutamine.
Molecular consequence: missense variant.
Genome position (GRCh38, 1-based): chr3:127,033,971, G>A. VCF-style: chr3-127033971-G-A. GRCh37 (hg19) VCF-style: chr3-126752814-G-A.
Other names: short protein forms R1882Q.
Identifiers: ClinVar variation 3358403 (VCV003358403.1).